The following is an entry in ClinVar:

ClinVar aggregate classification (germline): Pathogenic/Likely pathogenic. Review status: criteria provided, multiple submitters, no conflicts (2 of 4 stars). 2 submissions from 2 submitters: Pathogenic (1); Likely pathogenic (1). Last evaluated 2022-09-29.

Conditions:
Microcephaly-intellectual disability-sensorineural hearing loss-epilepsy-abnormal muscle tone syndrome (NEDHSB). Also called: NEURODEVELOPMENTAL DISORDER WITH HEARING LOSS, SEIZURES, AND BRAIN ABNORMALITIES. Identifiers: Orphanet 457351, MedGen C4225276, MONDO:0014698, OMIM 616577.

Allele frequency attached by ClinVar (database versions not stated): TOPMed below 0.00001.

Submissions (2):

GeneDx
Classification: Likely pathogenic. Last evaluated: 2022-09-29. Review status: criteria provided, single submitter. Criteria: GeneDx Variant Classification Process June 2021. Collection method: clinical testing. Allele origin: germline. Affected: yes.
Comment: Frameshift variant predicted to result in protein truncation or nonsense mediated decay in a gene for which loss of function is a known mechanism of disease; Not observed at significant frequency in large population cohorts (gnomAD); Has not been previously published as pathogenic or benign to our knowledge; This variant is associated with the following publications: (PMID: 26299366)

Labcorp Genetics (formerly Invitae), Labcorp
Classification: Pathogenic for Microcephaly-intellectual disability-sensorineural hearing loss-epilepsy-abnormal muscle tone syndrome. Last evaluated: 2020-01-28. Review status: criteria provided, single submitter. Criteria: Invitae Variant Classification Sherloc (09022015). Collection method: clinical testing. Allele origin: germline.
Comment: This sequence change creates a premature translational stop signal (p.Ala742Valfs*4) in the SPATA5 gene. It is expected to result in an absent or disrupted protein product. This variant is not present in population databases (ExAC no frequency). This variant has not been reported in the literature in individuals with SPATA5-related conditions. ClinVar contains an entry for this variant (Variation ID: 503811). Algorithms developed to predict the effect of sequence changes on RNA splicing suggest that this variant may create or strengthen a splice site, but this prediction has not been confirmed by published transcriptional studies. Loss-of-function variants in SPATA5 are known to be pathogenic (PMID: 26299366). For these reasons, this variant has been classified as Pathogenic.

Literature cited by the submitters: PubMed 26299366 (cited by Labcorp Genetics (formerly Invitae), Labcorp).

NM_145207.3(AFG2A):c.2225del (p.Ala742fs)

Gene: AFG2A (AFG2 AAA ATPase homolog A; plus strand). Cytogenetic location: 4q28.1.
Variant type: Deletion.
Coding change: c.2225del on transcript NM_145207.3 (MANE Select); coding-DNA position 2225, one base deleted (C; older notation c.2225delC).
Protein change: p.Ala742fs; shifts the reading frame from alanine 742.
Molecular consequence: frameshift variant.
Genome position (GRCh38, 1-based): chr4:123,090,590, C deleted. VCF-style (leftmost placement, unchanged base first): chr4-123090589-GC-G. GRCh37 (hg19) VCF-style: chr4-124011744-GC-G.
Other names: c.2225delC (NM_145207.2); c.2222del, p.Ala741fs (NM_001345856.2); short protein forms A741fs, A742fs.
Identifiers: ClinVar variation 503811 (VCV000503811.6), dbSNP rs1553983667, ClinGen allele CA658796466.